The following is an entry in ClinVar:

ClinVar aggregate classification (germline): Uncertain significance (1 of 4 stars; one submission).

Conditions:
Cardiomyopathy (CMYO). Also called: Cardiomyopathies. Identifiers: Orphanet 167848, MedGen C0878544, MONDO:0004994, HP:0001638. Inheritance: Various modes of inheritance.

Submission:

Color Diagnostics, LLC DBA Color Health
Classification: Uncertain significance for Cardiomyopathy. Last evaluated: 2024-03-06. Review status: criteria provided, single submitter. Criteria: ACMG Guidelines, 2015. Collection method: clinical testing. Allele origin: germline.
Comment: This missense variant replaces aspartic acid with tyrosine at codon 2022 of the RYR2 protein. Computational prediction is inconclusive regarding the impact of this variant on protein structure and function (internally defined REVEL score threshold 0.5 < inconclusive < 0.7, PMID: 27666373). To our knowledge, functional studies have not been reported for this variant. This variant has not been reported in individuals affected with cardiovascular disorders in the literature. This variant has not been identified in the general population by the Genome Aggregation Database (gnomAD). The available evidence is insufficient to determine the role of this variant in disease conclusively. Therefore, this variant is classified as a Variant of Uncertain Significance.

NM_001035.3(RYR2):c.6064G>T (p.Asp2022Tyr)

Gene: RYR2 (ryanodine receptor 2; plus strand). Cytogenetic location: 1q43.
Variant type: single nucleotide variant.
Coding change: c.6064G>T on transcript NM_001035.3 (MANE Select); coding-DNA position 6064, G replaced by T.
Protein change: p.Asp2022Tyr; replaces aspartic acid 2022 with tyrosine.
Molecular consequence: missense variant.
Genome position (GRCh38, 1-based): chr1:237,625,702, G>T. VCF-style: chr1-237625702-G-T. GRCh37 (hg19) VCF-style: chr1-237789002-G-T.
Other names: short protein forms D2022Y.
Identifiers: ClinVar variation 2774317 (VCV002774317.2), dbSNP rs2546873344, ClinGen allele CA345408841.